The following is an entry in ClinVar:

ClinVar aggregate classification (germline): Uncertain significance. Review status: criteria provided, multiple submitters, no conflicts (2 of 4 stars). 2 submissions from 2 submitters: Uncertain significance (2). Last evaluated 2025-11-11.

Allele frequency attached by ClinVar (database versions not stated): TOPMed 0.00001.

Submissions (2):

Ambry Genetics
Classification: Uncertain significance. Last evaluated: 2025-11-11. Review status: criteria provided, single submitter. Criteria: Ambry Variant Classification Scheme 2023. Collection method: clinical testing. Allele origin: germline.
Comment: The p.H305R variant (also known as c.914A>G), located in coding exon 9 of the FAM175A gene, results from an A to G substitution at nucleotide position 914. The histidine at codon 305 is replaced by arginine, an amino acid with highly similar properties. This amino acid position is conserved. In addition, this alteration is predicted to be tolerated by in silico analysis. Since supporting evidence is limited at this time, the clinical significance of this alteration remains unclear.

Labcorp Genetics (formerly Invitae), Labcorp
Classification: Uncertain significance. Last evaluated: 2021-11-23. Review status: criteria provided, single submitter. Criteria: Invitae Variant Classification Sherloc (09022015). Collection method: clinical testing. Allele origin: germline.
Comment: In summary, the available evidence is currently insufficient to determine the role of this variant in disease. Therefore, it has been classified as a Variant of Uncertain Significance. This sequence change replaces histidine, which is basic and polar, with arginine, which is basic and polar, at codon 305 of the ABRAXAS1 protein (p.His305Arg). This variant is not present in population databases (gnomAD no frequency). This variant has not been reported in the literature in individuals affected with ABRAXAS1-related conditions. Algorithms developed to predict the effect of missense changes on protein structure and function output the following: SIFT: "Tolerated"; PolyPhen-2: "Benign"; Align-GVGD: "Class C0". The arginine amino acid residue is found in multiple mammalian species, which suggests that this missense change does not adversely affect protein function.

NM_139076.3(ABRAXAS1):c.914A>G (p.His305Arg)

Gene: ABRAXAS1 (abraxas 1, BRCA1 A complex subunit; minus strand). Cytogenetic location: 4q21.23.
Variant type: single nucleotide variant.
Coding change: c.914A>G on transcript NM_139076.3 (MANE Select); coding-DNA position 914, A replaced by G.
Protein change: p.His305Arg; replaces histidine 305 with arginine.
Molecular consequence: missense variant.
Genome position (GRCh38, 1-based): chr4:83,462,785, T>C on the plus strand (A>G on the coding strand, the complement: ABRAXAS1 is on the minus strand). VCF-style: chr4-83462785-T-C. GRCh37 (hg19) VCF-style: chr4-84383938-T-C.
Other names: c.587A>G, p.His196Arg (NM_001345962.2); c.914A>G (NM_139076.2); short protein forms H196R, H305R.
Identifiers: ClinVar variation 1403954 (VCV001403954.8), dbSNP rs1438058565, ClinGen allele CA357256183.